The following is an entry in ClinVar:

ClinVar aggregate classification (germline): Uncertain significance (1 of 4 stars; one submission).

Conditions:
DICER1-related tumor predisposition. Also called: DICER1 syndrome; DICER1-related pleuropulmonary blastoma cancer predisposition syndrome. Identifiers: Orphanet 284343, MedGen C3839822, MONDO:0100216.

Submission:

Labcorp Genetics (formerly Invitae), Labcorp
Classification: Uncertain significance for DICER1-related tumor predisposition. Last evaluated: 2018-06-07. Review status: criteria provided, single submitter. Criteria: Invitae Variant Classification Sherloc (09022015). Collection method: clinical testing. Allele origin: germline.
Comment: In summary, the available evidence is currently insufficient to determine the role of this variant in disease. Therefore, it has been classified as a Variant of Uncertain Significance. Algorithms developed to predict the effect of missense changes on protein structure and function (SIFT, PolyPhen-2, Align-GVGD) all suggest that this variant is likely to be tolerated, but these predictions have not been confirmed by published functional studies and their clinical significance is uncertain. This variant has not been reported in the literature in individuals with DICER1-related disease. This variant is not present in population databases (ExAC no frequency). This sequence change replaces asparagine with aspartic acid at codon 882 of the DICER1 protein (p.Asn882Asp). The asparagine residue is highly conserved and there is a small physicochemical difference between asparagine and aspartic acid.

NM_177438.3(DICER1):c.2644A>G (p.Asn882Asp)

Gene: DICER1 (dicer 1, ribonuclease III; minus strand). Cytogenetic location: 14q32.13.
Variant type: single nucleotide variant.
Coding change: c.2644A>G on transcript NM_177438.3 (MANE Select); coding-DNA position 2644, A replaced by G.
Protein change: p.Asn882Asp; replaces asparagine 882 with aspartic acid.
Molecular consequence: missense variant.
Genome position (GRCh38, 1-based): chr14:95,107,886, T>C on the plus strand (A>G on the coding strand, the complement: DICER1 is on the minus strand). VCF-style: chr14-95107886-T-C. GRCh37 (hg19) VCF-style: chr14-95574223-T-C.
Other names: c.2644A>G, p.Asn882Asp (NM_001195573.1, NM_001271282.3, NM_001291628.2 and 1 more transcripts); short protein forms N882D.
Identifiers: ClinVar variation 571812 (VCV000571812.10), dbSNP rs1566776487, ClinGen allele CA390881116.
Genomic context (GRCh38, chr14:95,107,886, plus strand): 5'-CTGTATGTTTGTATATGTGTCTAGAGTTATCAAAGTAAGAGATTTTTTTCTTACCAACAT[T>C]AAGAGGTAGAACACAGTATGCTGAATCAGCGTCTGTAGGTTTAAATTCTAGTGCAGGTTT-3'
Protein context (NP_803187.1, residues 872-892): ADSAYCVLPL[Asn882Asp]VVNDSSTLDI